The following is an entry in ClinVar:

ClinVar aggregate classification (germline): Uncertain significance (1 of 4 stars; one submission).

Submission:

GeneDx
Classification: Uncertain significance. Last evaluated: 2026-02-28. Review status: criteria provided, single submitter. Criteria: GeneDx Variant Classification Process June 2021. Collection method: clinical testing. Allele origin: germline.
Comment: Not observed at significant frequency in large population cohorts (gnomAD); In silico analysis supports that this missense variant has a deleterious effect on protein structure/function; Has not been previously published as pathogenic or benign to our knowledge

NM_005276.4(GPD1):c.377C>A (p.Pro126His)

Gene: GPD1 (glycerol-3-phosphate dehydrogenase 1; plus strand). Cytogenetic location: 12q13.12.
Variant type: single nucleotide variant.
Coding change: c.377C>A on transcript NM_005276.4 (MANE Select); coding-DNA position 377, C replaced by A.
Protein change: p.Pro126His; replaces proline 126 with histidine.
Molecular consequence: missense variant.
Genome position (GRCh38, 1-based): chr12:50,106,304, C>A. VCF-style: chr12-50106304-C-A. GRCh37 (hg19) VCF-style: chr12-50500087-C-A.
Other names: c.308C>A, p.Pro103His (NM_001257199.2); short protein forms P126H, P103H.
Identifiers: ClinVar variation 5008296 (VCV005008296.1).